The following is an entry in ClinVar:

ClinVar aggregate classification (germline): Uncertain significance. Review status: criteria provided, multiple submitters, no conflicts (2 of 4 stars). 4 submissions from 4 submitters: Uncertain significance (4). Last evaluated 2025-11-20.

Conditions:
LRP2-related disorder. Also called: LRP2-related condition.
Donnai-Barrow syndrome. Also called: FACIOOCULOACOUSTICORENAL SYNDROME; DBS/FOAR SYNDROME. Identifiers: Orphanet 2143, MedGen C1857277, MONDO:0009104, OMIM 222448.

Allele frequency attached by ClinVar (database versions not stated): ExAC 0.00002; gnomAD exomes 0.00002; gnomAD 0.00003; TOPMed 0.00004; ESP Exome Variant Server 0.00015.
gnomAD v4.1: 30 of 1,612,642 alleles (0.0019%); highest among the groups gnomAD compares: Middle Eastern, 0.033%; no homozygotes.

Submissions (4):

PreventionGenetics, part of Exact Sciences
Classification: Uncertain significance for LRP2-related condition. Last evaluated: 2025-11-20. Review status: criteria provided, single submitter. Criteria: ACMG Guidelines, 2015. Collection method: clinical testing. Allele origin: germline.
Comment: The LRP2 c.8854G>A variant is predicted to result in the amino acid substitution p.Glu2952Lys. To our knowledge, this variant has not been reported in the literature. This variant is reported in 0.0054% of alleles in individuals of East Asian descent in gnomAD. At this time, the clinical significance of this variant is uncertain due to the absence of conclusive functional and genetic evidence.

Labcorp Genetics (formerly Invitae), Labcorp
Classification: Uncertain significance. Last evaluated: 2022-03-28. Review status: criteria provided, single submitter. Criteria: Invitae Variant Classification Sherloc (09022015). Collection method: clinical testing. Allele origin: germline.
Comment: This sequence change replaces glutamic acid, which is acidic and polar, with lysine, which is basic and polar, at codon 2952 of the LRP2 protein (p.Glu2952Lys). This variant is present in population databases (rs138894447, gnomAD 0.006%). This variant has not been reported in the literature in individuals affected with LRP2-related conditions. ClinVar contains an entry for this variant (Variation ID: 332120). Algorithms developed to predict the effect of missense changes on protein structure and function are either unavailable or do not agree on the potential impact of this missense change (SIFT: "Deleterious"; PolyPhen-2: "Benign"; Align-GVGD: "Class C15"). In summary, the available evidence is currently insufficient to determine the role of this variant in disease. Therefore, it has been classified as a Variant of Uncertain Significance.

Fulgent Genetics
Classification: Uncertain significance for Donnai-Barrow syndrome. Last evaluated: 2021-09-30. Review status: criteria provided, single submitter. Criteria: ACMG Guidelines, 2015. Collection method: clinical testing. Allele origin: unknown.

Illumina Laboratory Services, Illumina
Classification: Uncertain significance for Donnai-Barrow syndrome. Last evaluated: 2018-01-13. Review status: criteria provided, single submitter. Criteria: ICSL Variant Classification Criteria 13 December 2019. Collection method: clinical testing. Allele origin: germline.

NM_004525.3(LRP2):c.8854G>A (p.Glu2952Lys)

Gene: LRP2 (LDL receptor related protein 2; minus strand). Cytogenetic location: 2q31.1.
Variant type: single nucleotide variant.
Coding change: c.8854G>A on transcript NM_004525.3 (MANE Select); coding-DNA position 8854, G replaced by A.
Protein change: p.Glu2952Lys; replaces glutamic acid 2952 with lysine.
Molecular consequence: missense variant.
Genome position (GRCh38, 1-based): chr2:169,192,010, C>T on the plus strand (G>A on the coding strand, the complement: LRP2 is on the minus strand). VCF-style: chr2-169192010-C-T. GRCh37 (hg19) VCF-style: chr2-170048520-C-T.
Other names: short protein forms E2952K.
Identifiers: ClinVar variation 332120 (VCV000332120.8), dbSNP rs138894447, ClinGen allele CA1953728.